The following is an entry in ClinVar:

NM_001277115.2(DNAH11):c.7818T>A (p.Asp2606Glu)

Gene: DNAH11 (dynein axonemal heavy chain 11; plus strand). Cytogenetic location: 7p15.3.
Variant type: single nucleotide variant.
Coding change: c.7818T>A on transcript NM_001277115.2 (MANE Select); coding-DNA position 7818, T replaced by A.
Protein change: p.Asp2606Glu; replaces aspartic acid 2606 with glutamic acid.
Molecular consequence: missense variant.
Genome position (GRCh38, 1-based): chr7:21,739,577, T>A. VCF-style: chr7-21739577-T-A. GRCh37 (hg19) VCF-style: chr7-21779195-T-A.
Other names: short protein forms D2606E.
Identifiers: ClinVar variation 646529 (VCV000646529.7), dbSNP rs1049247750, ClinGen allele CA366950776.

ClinVar aggregate classification (germline): Uncertain significance. Review status: criteria provided, multiple submitters, no conflicts (2 of 4 stars). 2 submissions from 2 submitters: Uncertain significance (2). Last evaluated 2026-03-31.

Conditions:
Primary ciliary dyskinesia. Also called: Ciliary dyskinesia. Identifiers: Orphanet 244, MedGen C0008780, MONDO:0016575, HP:0012265.

Allele frequency attached by ClinVar (database versions not stated): TOPMed 0.00001.
gnomAD v4.1: 4 of 1,610,908 alleles (0.00025%); highest among the groups gnomAD compares: Admixed American, 0.005%; no homozygotes.

Submissions (2):

GeneDx
Classification: Uncertain significance. Last evaluated: 2026-03-31. Review status: criteria provided, single submitter. Criteria: GeneDx Variant Classification Process June 2021. Collection method: clinical testing. Allele origin: germline.
Comment: Not observed at significant frequency in large population cohorts (gnomAD); In silico analysis supports that this missense variant has a deleterious effect on protein structure/function; Has not been previously published as pathogenic or benign to our knowledge

Labcorp Genetics (formerly Invitae), Labcorp
Classification: Uncertain significance for Primary ciliary dyskinesia. Last evaluated: 2022-02-08. Review status: criteria provided, single submitter. Criteria: Invitae Variant Classification Sherloc (09022015). Collection method: clinical testing. Allele origin: germline.
Comment: This sequence change replaces aspartic acid, which is acidic and polar, with glutamic acid, which is acidic and polar, at codon 2606 of the DNAH11 protein (p.Asp2606Glu). This variant is not present in population databases (gnomAD no frequency). This variant has not been reported in the literature in individuals affected with DNAH11-related conditions. ClinVar contains an entry for this variant (Variation ID: 646529). Advanced modeling of protein sequence and biophysical properties (such as structural, functional, and spatial information, amino acid conservation, physicochemical variation, residue mobility, and thermodynamic stability) performed at Invitae indicates that this missense variant is not expected to disrupt DNAH11 protein function. In summary, the available evidence is currently insufficient to determine the role of this variant in disease. Therefore, it has been classified as a Variant of Uncertain Significance.